The following is an entry in ClinVar:

ClinVar aggregate classification (germline): Uncertain significance (1 of 4 stars; one submission).

Submission:

Labcorp Genetics (formerly Invitae), Labcorp
Classification: Uncertain significance. Last evaluated: 2023-04-22. Review status: criteria provided, single submitter. Criteria: Invitae Variant Classification Sherloc (09022015). Collection method: clinical testing. Allele origin: germline.
Comment: ClinVar contains an entry for this variant (Variation ID: 2010728). Experimental studies and prediction algorithms are not available or were not evaluated, and the functional significance of this variant is currently unknown. In summary, the available evidence is currently insufficient to determine the role of this variant in disease. Therefore, it has been classified as a Variant of Uncertain Significance. This sequence change replaces isoleucine, which is neutral and non-polar, with phenylalanine, which is neutral and non-polar, at codon 226 of the TNFRSF6B protein (p.Ile226Phe). Information on the frequency of this variant in the gnomAD database is not available, as this variant may be reported differently in the database. This variant has not been reported in the literature in individuals affected with TNFRSF6B-related conditions.

NM_003823.4(TNFRSF6B):c.675_676delinsAT (p.Ile226Phe)

Genes: RTEL1-TNFRSF6B (RTEL1-TNFRSF6B readthrough (NMD candidate); plus strand), TNFRSF6B (TNF receptor superfamily member 6b; plus strand). Cytogenetic location: 20q13.33.
Variant type: Indel.
Coding change: c.675_676delinsAT on transcript NM_003823.4 (MANE Select); coding-DNA positions 675 to 676, CA replaced by AT.
Protein change: p.Ile226Phe; replaces isoleucine 226 with phenylalanine.
Molecular consequence: missense variant. On other transcripts: non-coding transcript variant (1).
Genome position (GRCh38, 1-based): chr20:63,698,335-63,698,336, CA replaced by AT. VCF-style: chr20-63698335-CA-AT. GRCh37 (hg19) VCF-style: chr20-62329688-CA-AT.
Other names: short protein forms I226F.
Identifiers: ClinVar variation 2010728 (VCV002010728.4), dbSNP rs2517227870, ClinGen allele CA2580098502.
Genomic context (GRCh38, chr20:63,698,335, plus strand): 5'-TGCAGGAGCTGAGGAGTGTGAGCGTGCCGTCATCGACTTTGTGGCTTTCCAGGACATCTC[CA>AT]TCAAGAGGCTGCAGCGGCTGCTGCAGGCCCTCGAGGCCCCGGAGGGCTGGGGTCCGACAC-3'
Protein context (NP_003814.1, residues 216-236): IDFVAFQDIS[Ile226Phe]KRLQRLLQAL